The following is an entry in ClinVar:

NM_001172509.2(SATB2):c.1341G>C (p.Met447Ile)

Gene: SATB2 (SATB homeobox 2; minus strand). Cytogenetic location: 2q33.1.
Variant type: single nucleotide variant.
Coding change: c.1341G>C on transcript NM_001172509.2 (MANE Select); coding-DNA position 1341, G replaced by C.
Protein change: p.Met447Ile; replaces methionine 447 with isoleucine.
Molecular consequence: missense variant.
Genome position (GRCh38, 1-based): chr2:199,328,743, C>G on the plus strand (G>C on the coding strand, the complement: SATB2 is on the minus strand). VCF-style: chr2-199328743-C-G. GRCh37 (hg19) VCF-style: chr2-200193466-C-G.
Other names: c.1341G>C, p.Met447Ile (NM_001172517.1, NM_015265.4); short protein forms M447I.
Identifiers: ClinVar variation 1314101 (VCV001314101.2), dbSNP rs1574510768, ClinGen allele CA350386221.

ClinVar aggregate classification (germline): Uncertain significance (1 of 4 stars; one submission).

Submission:

GeneDx
Classification: Uncertain significance. Last evaluated: 2021-02-03. Review status: criteria provided, single submitter. Criteria: GeneDx Variant Classification Process June 2021. Collection method: clinical testing. Allele origin: germline. Affected: yes.
Comment: Has not been previously published as pathogenic or benign to our knowledge; Not observed in large population cohorts (Lek et al., 2016); In silico analysis supports that this missense variant does not alter protein structure/function